The following is an entry in ClinVar:

NM_014425.5(INVS):c.2284C>T (p.Arg762Trp)

Gene: INVS (inversin; plus strand). Cytogenetic location: 9q31.1.
Variant type: single nucleotide variant.
Coding change: c.2284C>T on transcript NM_014425.5 (MANE Select); coding-DNA position 2284, C replaced by T.
Protein change: p.Arg762Trp; replaces arginine 762 with tryptophan.
Molecular consequence: missense variant. On other transcripts: non-coding transcript variant (1).
Genome position (GRCh38, 1-based): chr9:100,292,541, C>T. VCF-style: chr9-100292541-C-T. GRCh37 (hg19) VCF-style: chr9-103054823-C-T.
Other names: c.1996C>T, p.Arg666Trp (NM_001318381.2); c.1306C>T, p.Arg436Trp (NM_001318382.2); c.2284C>T (NM_014425.2); short protein forms R666W, R762W, R436W.
Identifiers: ClinVar variation 1419095 (VCV001419095.6), dbSNP rs763460118, ClinGen allele CA5158592.
Genomic context (GRCh38, chr9:100,292,541, plus strand): 5'-GTGAAGCAGCCCTCCTGTATCAGGGTGGCTGGGCCTGATGAGAAAGGAGAGGACTCCAGG[C>T]GGGCAGCTGCAAGCCTTCCACCGCACGATAGCCACTGGAAGCCCAGCAGGCGGCATGACA-3'
Protein context (NP_055240.2, residues 752-772): GPDEKGEDSR[Arg762Trp]AAASLPPHDS

ClinVar aggregate classification (germline): Uncertain significance. Review status: criteria provided, multiple submitters, no conflicts (2 of 4 stars). 2 submissions from 2 submitters: Uncertain significance (2). Last evaluated 2025-04-15.

Conditions:
Inborn genetic diseases. Identifiers: MedGen C0950123, MeSH D030342.
Nephronophthisis. Also called: Juvenile Nephronophthisis. Identifiers: Orphanet 655, MedGen C0687120, MONDO:0019005, HP:0000090.

Allele frequency attached by ClinVar (database versions not stated): gnomAD 0.00001; gnomAD exomes 0.00002; ExAC 0.00001.
gnomAD v4.1: 17 of 1,613,970 alleles (0.0011%); highest among the groups gnomAD compares: South Asian, 0.0055%; no homozygotes.

Submissions (2):

Ambry Genetics
Classification: Uncertain significance for Inborn genetic diseases. Last evaluated: 2025-04-15. Review status: criteria provided, single submitter. Criteria: Ambry Variant Classification Scheme 2023. Collection method: clinical testing. Allele origin: germline.

Labcorp Genetics (formerly Invitae), Labcorp
Classification: Uncertain significance for Nephronophthisis. Last evaluated: 2022-07-19. Review status: criteria provided, single submitter. Criteria: Invitae Variant Classification Sherloc (09022015). Collection method: clinical testing. Allele origin: germline.
Comment: This sequence change replaces arginine, which is basic and polar, with tryptophan, which is neutral and slightly polar, at codon 762 of the INVS protein (p.Arg762Trp). This variant is present in population databases (rs763460118, gnomAD 0.01%). This variant has not been reported in the literature in individuals affected with INVS-related conditions. ClinVar contains an entry for this variant (Variation ID: 1419095). Algorithms developed to predict the effect of missense changes on protein structure and function output the following: SIFT: "Tolerated"; PolyPhen-2: "Benign"; Align-GVGD: "Class C0". The tryptophan amino acid residue is found in multiple mammalian species, which suggests that this missense change does not adversely affect protein function. Algorithms developed to predict the effect of sequence changes on RNA splicing suggest that this variant may create or strengthen a splice site. In summary, the available evidence is currently insufficient to determine the role of this variant in disease. Therefore, it has been classified as a Variant of Uncertain Significance.